The following is an entry in ClinVar:

ClinVar aggregate classification (germline): Likely pathogenic (0 of 4 stars; one submission).

Conditions:
Beta-thalassemia HBB/LCRB. Identifiers: MedGen CN322236, MONDO:0013517, OMIM 613985.

Submission:

Precision Medicine Lab Center, Yangjiang People's Hospital
Classification: Likely pathogenic for Beta-thalassemia HBB/LCRB. Last evaluated: 2024-01-02. Review status: no assertion criteria provided. Collection method: clinical testing. Allele origin: germline. Affected: yes. Observed: 1 variant allele.
Comment: HBB:c. 82G>A occurs at nucleotide position 82 (G→A) in the β-globin gene coding region, causing an amino acid change from alanine to threonine. The variant was not found in the databases. Laboratory results showed: hemoglobin 103 g/L, MCV 65 fL, MCH 20.1 pg, HbA 84.4%, HbA2 5.7% (elevated), and HbF 9.9% (elevated). These findings suggest it may be pathogenic.

NM_000518.5(HBB):c.82G>A (p.Ala28Thr)

Genes: HBB (hemoglobin subunit beta; minus strand), LOC106099062 (HBB recombination region; plus strand), LOC107133510 (origin of replication at HBB; plus strand). Cytogenetic location: 11p15.4.
Variant type: single nucleotide variant.
Coding change: c.82G>A on transcript NM_000518.5 (MANE Select); coding-DNA position 82, G replaced by A.
Protein change: p.Ala28Thr; replaces alanine 28 with threonine.
Molecular consequence: missense variant.
Genome position (GRCh38, 1-based): chr11:5,226,940, C>T on the plus strand (G>A on the coding strand, the complement: HBB is on the minus strand). VCF-style: chr11-5226940-C-T. GRCh37 (hg19) VCF-style: chr11-5248170-C-T.
Other names: short protein forms A28T.
Identifiers: ClinVar variation 4071470 (VCV004071470.1).